The following is an entry in ClinVar:

ClinVar aggregate classification (germline): Uncertain significance (1 of 4 stars; one submission).

gnomAD v4.1: 60 of 1,614,028 alleles (0.0037%); highest among the groups gnomAD compares: Non-Finnish European, 0.0049%; no homozygotes.

Submission:

Labcorp Genetics (formerly Invitae), Labcorp
Classification: Uncertain significance. Last evaluated: 2025-12-10. Review status: criteria provided, single submitter. Criteria: Invitae Variant Classification Sherloc (09022015). Collection method: clinical testing. Allele origin: germline.
Comment: This sequence change replaces glycine, which is neutral and non-polar, with arginine, which is basic and polar, at codon 1058 of the MYH3 protein (p.Gly1058Arg). This variant is present in population databases (rs371579892, gnomAD 0.007%). This variant has not been reported in the literature in individuals affected with MYH3-related conditions. ClinVar contains an entry for this variant (Variation ID: 3730569). Invitae Evidence Modeling of protein sequence and biophysical properties (such as structural, functional, and spatial information, amino acid conservation, physicochemical variation, residue mobility, and thermodynamic stability) has been performed for this missense variant. However, the output from this modeling did not meet the statistical confidence thresholds required to predict the impact of this variant on MYH3 protein function. In summary, the available evidence is currently insufficient to determine the role of this variant in disease. Therefore, it has been classified as a Variant of Uncertain Significance.

NM_002470.4(MYH3):c.3172G>A (p.Gly1058Arg)

Gene: MYH3 (myosin heavy chain 3; minus strand). Cytogenetic location: 17p13.1.
Variant type: single nucleotide variant.
Coding change: c.3172G>A on transcript NM_002470.4 (MANE Select); coding-DNA position 3172, G replaced by A.
Protein change: p.Gly1058Arg; replaces glycine 1058 with arginine.
Molecular consequence: missense variant.
Genome position (GRCh38, 1-based): chr17:10,639,120, C>T on the plus strand (G>A on the coding strand, the complement: MYH3 is on the minus strand). VCF-style: chr17-10639120-C-T. GRCh37 (hg19) VCF-style: chr17-10542437-C-T.
Other names: short protein forms G1058R.
Identifiers: ClinVar variation 3730569 (VCV003730569.2).